The following is an entry in ClinVar:

NM_001042492.3(NF1):c.373C>A (p.Arg125Ser)

Gene: NF1 (neurofibromin 1; plus strand). Cytogenetic location: 17q11.2.
Variant type: single nucleotide variant.
Coding change: c.373C>A on transcript NM_001042492.3 (MANE Select); coding-DNA position 373, C replaced by A.
Protein change: p.Arg125Ser; replaces arginine 125 with serine.
Molecular consequence: missense variant.
Genome position (GRCh38, 1-based): chr17:31,163,270, C>A. VCF-style: chr17-31163270-C-A. GRCh37 (hg19) VCF-style: chr17-29490288-C-A.
Other names: c.373C>A, p.Arg125Ser (NM_000267.4, NM_001128147.3); short protein forms R125S.
Identifiers: ClinVar variation 824145 (VCV000824145.7), dbSNP rs876659418, ClinGen allele CA398981812.
Genomic context (GRCh38, chr17:31,163,270, plus strand): 5'-GATGAAACGATGCTGGTCAAACAGTTGCTGCCAGAAATCTGCCATTTTCTTCACACCTGT[C>A]GTGAAGGAAACCAGCATGCAGCTGAACTTCGGAATTCTGCCTCTGGGGTTTTATTTTCTC-3'
Protein context (NP_001035957.1, residues 115-135): PEICHFLHTC[Arg125Ser]EGNQHAAELR

ClinVar aggregate classification (germline): Uncertain significance. Review status: criteria provided, multiple submitters, no conflicts (2 of 4 stars). 2 submissions from 2 submitters: Uncertain significance (2). Last evaluated 2024-04-10.

Conditions:
Hereditary cancer-predisposing syndrome. Also called: Neoplastic Syndromes, Hereditary; Hereditary Cancer Syndrome; Hereditary neoplastic syndrome; Tumor predisposition. Identifiers: Orphanet 140162, MedGen C0027672, MeSH D009386, MONDO:0015356.
Cardiovascular phenotype. Identifiers: MedGen CN230736.
Neurofibromatosis, type 1 (NF1). Also called: Neurofibromatosis, type I; Peripheral type neurofibromatosis; VON RECKLINGHAUSEN DISEASE; NEUROFIBROMATOSIS, TYPE I, SOMATIC. Identifiers: Orphanet 636, MedGen C0027831, MONDO:0018975, OMIM 162200. Disease mechanism: loss of function.

gnomAD v4.1: 1 of 1,614,100 alleles (0.000062%); highest among the groups gnomAD compares: South Asian, 0.0011%; no homozygotes.

Submissions (3):

Labcorp Genetics (formerly Invitae), Labcorp
Classification: Uncertain significance for Neurofibromatosis, type 1. Last evaluated: 2024-04-10. Review status: criteria provided, single submitter. Criteria: Invitae Variant Classification Sherloc (09022015). Collection method: clinical testing. Allele origin: germline.
Comment: This sequence change replaces arginine, which is basic and polar, with serine, which is neutral and polar, at codon 125 of the NF1 protein (p.Arg125Ser). This variant is not present in population databases (gnomAD no frequency). This variant has not been reported in the literature in individuals affected with NF1-related conditions. ClinVar contains an entry for this variant (Variation ID: 824145). Advanced modeling of protein sequence and biophysical properties (such as structural, functional, and spatial information, amino acid conservation, physicochemical variation, residue mobility, and thermodynamic stability) has been performed at Invitae for this missense variant, however the output from this modeling did not meet the statistical confidence thresholds required to predict the impact of this variant on NF1 protein function. In summary, the available evidence is currently insufficient to determine the role of this variant in disease. Therefore, it has been classified as a Variant of Uncertain Significance.

Ambry Genetics
Classification: Uncertain significance for Cardiovascular phenotype; Hereditary cancer-predisposing syndrome. Last evaluated: 2019-02-27. Review status: criteria provided, single submitter. Criteria: Ambry Variant Classification Scheme 2023. Collection method: clinical testing. Allele origin: germline.
Comment: The p.R125S variant (also known as c.373C>A), located in coding exon 4 of the NF1 gene, results from a C to A substitution at nucleotide position 373. The arginine at codon 125 is replaced by serine, an amino acid with dissimilar properties. This amino acid position is highly conserved in available vertebrate species. In addition, this alteration is predicted to be deleterious by in silico analysis. Since supporting evidence is limited at this time, the clinical significance of this alteration remains unclear.

Dr. Peter K. Rogan Lab, Western University
No classification provided (evidence only). Condition: Ovarian serous cystadenocarcinoma. Review status: no classification provided. Collection method: in vitro. Allele origin: not applicable. Functional consequence: retained intron. Not counted in ClinVar's aggregate classification.